The following is an entry in ClinVar:

ClinVar aggregate classification (germline): Uncertain significance (1 of 4 stars; one submission).

Conditions:
Singleton-Merten syndrome 1 (SGMRT1). Also called: Widened medullary cavities of bone, aortic calcification, abnormal dentition, and muscular weakness; Syndrome of widened medullary cavities of the metacarpals and phalanges, aortic calcification and abnormal dentition. Identifiers: Orphanet 85191, MedGen C4225427, MONDO:0024535, OMIM 182250.
Aicardi-Goutieres syndrome 7 (AGS7). Identifiers: Orphanet 51, MedGen C3888244, MONDO:0014367, OMIM 615846.

gnomAD v4.1: 4 of 1,614,188 alleles (0.00025%); highest among the groups gnomAD compares: Non-Finnish European, 0.00034%; no homozygotes.

Submission:

Labcorp Genetics (formerly Invitae), Labcorp
Classification: Uncertain significance for Aicardi-Goutieres syndrome 7; Singleton-Merten syndrome 1. Last evaluated: 2023-10-10. Review status: criteria provided, single submitter. Criteria: Invitae Variant Classification Sherloc (09022015). Collection method: clinical testing. Allele origin: germline.
Comment: This sequence change replaces leucine, which is neutral and non-polar, with proline, which is neutral and non-polar, at codon 99 of the IFIH1 protein (p.Leu99Pro). This variant is present in population databases (rs751197215, gnomAD 0.002%). This variant has not been reported in the literature in individuals affected with IFIH1-related conditions. ClinVar contains an entry for this variant (Variation ID: 1487351). Advanced modeling of protein sequence and biophysical properties (such as structural, functional, and spatial information, amino acid conservation, physicochemical variation, residue mobility, and thermodynamic stability) has been performed at Invitae for this missense variant, however the output from this modeling did not meet the statistical confidence thresholds required to predict the impact of this variant on IFIH1 protein function. In summary, the available evidence is currently insufficient to determine the role of this variant in disease. Therefore, it has been classified as a Variant of Uncertain Significance.

NM_022168.4(IFIH1):c.296T>C (p.Leu99Pro)

Gene: IFIH1 (interferon induced with helicase C domain 1; minus strand). Cytogenetic location: 2q24.2.
Variant type: single nucleotide variant.
Coding change: c.296T>C on transcript NM_022168.4 (MANE Select); coding-DNA position 296, T replaced by C.
Protein change: p.Leu99Pro; replaces leucine 99 with proline.
Molecular consequence: missense variant.
Genome position (GRCh38, 1-based): chr2:162,318,012, A>G on the plus strand (T>C on the coding strand, the complement: IFIH1 is on the minus strand). VCF-style: chr2-162318012-A-G. GRCh37 (hg19) VCF-style: chr2-163174522-A-G.
Other names: short protein forms L99P.
Identifiers: ClinVar variation 1487351 (VCV001487351.6), dbSNP rs751197215, ClinGen allele CA1934863.